The following is an entry in ClinVar:

NM_005529.7(HSPG2):c.6202C>G (p.Leu2068Val)

Gene: HSPG2 (heparan sulfate proteoglycan 2; minus strand). Cytogenetic location: 1p36.12.
Variant type: single nucleotide variant.
Coding change: c.6202C>G on transcript NM_005529.7 (MANE Select); coding-DNA position 6202, C replaced by G.
Protein change: p.Leu2068Val; replaces leucine 2068 with valine.
Molecular consequence: missense variant.
Genome position (GRCh38, 1-based): chr1:21,854,697, G>C on the plus strand (C>G on the coding strand, the complement: HSPG2 is on the minus strand). VCF-style: chr1-21854697-G-C. GRCh37 (hg19) VCF-style: chr1-22181190-G-C.
Other names: c.6205C>G, p.Leu2069Val (NM_001291860.2); short protein forms L2068V, L2069V.
Identifiers: ClinVar variation 1347349 (VCV001347349.8), dbSNP rs138368245, ClinGen allele CA19122728.

ClinVar aggregate classification (germline): Uncertain significance (1 of 4 stars; one submission).

Allele frequency attached by ClinVar (database versions not stated): gnomAD exomes below 0.00001; gnomAD 0.00001; TOPMed 0.00002; ESP Exome Variant Server 0.00008.
gnomAD v4.1: 3 of 1,612,118 alleles (0.00019%); highest among the groups gnomAD compares: African/African-American, 0.0027%; no homozygotes.

Submission:

Labcorp Genetics (formerly Invitae), Labcorp
Classification: Uncertain significance. Last evaluated: 2021-04-22. Review status: criteria provided, single submitter. Criteria: Invitae Variant Classification Sherloc (09022015). Collection method: clinical testing. Allele origin: germline.
Comment: This sequence change replaces leucine with valine at codon 2068 of the HSPG2 protein (p.Leu2068Val). The leucine residue is weakly conserved and there is a small physicochemical difference between leucine and valine. This variant is not present in population databases (ExAC no frequency). This variant has not been reported in the literature in individuals with HSPG2-related conditions. Algorithms developed to predict the effect of missense changes on protein structure and function output the following: SIFT: "Deleterious"; PolyPhen-2: "Benign"; Align-GVGD: "Class C0". The valine amino acid residue is found in multiple mammalian species, suggesting that this missense change does not adversely affect protein function. These predictions have not been confirmed by published functional studies and their clinical significance is uncertain. In summary, the available evidence is currently insufficient to determine the role of this variant in disease. Therefore, it has been classified as a Variant of Uncertain Significance.